The following is an entry in ClinVar:

NC_000006.12:g.46079737G>A

Gene: CLIC5 (CLIC family member 5; minus strand). Cytogenetic location: 6p21.1.
Variant type: single nucleotide variant.
Molecular consequence: missense variant (on NM_001114086.2). On other transcripts: intron variant (1).
Genome position: GRCh38 VCF-style: chr6-46079737-G-A. GRCh37 (hg19) VCF-style: chr6-46047474-G-A.
Other names: c.506C>T, p.Ala169Val (NM_001114086.2, NM_001370650.1); c.-55+49767C>T (NM_001370649.1); short protein forms A169V.
Identifiers: ClinVar variation 1421698 (VCV001421698.6), dbSNP rs1366428817, ClinGen allele CA363964382.

ClinVar aggregate classification (germline): Uncertain significance (1 of 4 stars; one submission).

Allele frequency attached by ClinVar (database versions not stated): gnomAD 0.00001; TOPMed 0.00001; gnomAD exomes 0.00001.
gnomAD v4.1: 9 of 1,551,610 alleles (0.00058%); highest among the groups gnomAD compares: Non-Finnish European, 0.00078%; no homozygotes.

Submission:

Labcorp Genetics (formerly Invitae), Labcorp
Classification: Uncertain significance. Last evaluated: 2024-10-25. Review status: criteria provided, single submitter. Criteria: Invitae Variant Classification Sherloc (09022015). Collection method: clinical testing. Allele origin: germline.
Comment: This sequence change replaces alanine, which is neutral and non-polar, with valine, which is neutral and non-polar, at codon 169 of the CLIC5 protein (p.Ala169Val). This variant is present in population databases (no rsID available, gnomAD 0.003%). This variant has not been reported in the literature in individuals affected with CLIC5-related conditions. ClinVar contains an entry for this variant (Variation ID: 1421698). An algorithm developed to predict the effect of missense changes on protein structure and function (PolyPhen-2) suggests that this variant is likely to be tolerated. In summary, the available evidence is currently insufficient to determine the role of this variant in disease. Therefore, it has been classified as a Variant of Uncertain Significance.